The following is an entry in ClinVar:

NM_002617.4(PEX10):c.601-65C>T

Gene: PEX10 (peroxisomal biogenesis factor 10; minus strand). Cytogenetic location: 1p36.32.
Variant type: single nucleotide variant.
Coding change: c.601-65C>T on transcript NM_002617.4 (MANE Select); 65 bases into the intron before coding-DNA position 601, C replaced by T.
Molecular consequence: intron variant.
Genome position (GRCh38, 1-based): chr1:2,406,960, G>A on the plus strand (C>T on the coding strand, the complement: PEX10 is on the minus strand). VCF-style: chr1-2406960-G-A. GRCh37 (hg19) VCF-style: chr1-2338399-G-A.
Other names: c.601-5C>T (NM_153818.1, NM_153818.2); c.169-65C>T (NM_001374427.1); c.169-8C>T (NM_001374426.1); c.601-8C>T (NM_001374425.1).
Identifiers: ClinVar variation 3015875 (VCV003015875.5), dbSNP rs1053078049, ClinGen allele CA16943142.

ClinVar aggregate classification (germline): Likely benign. Review status: criteria provided, single submitter (1 of 4 stars). 2 submissions from 2 submitters: Likely benign (1). 1 of the submissions does not count toward it. Last evaluated 2025-12-22.

Conditions:
PEX10-related disorder. Also called: PEX10-related condition.
Peroxisome biogenesis disorder, complementation group 7 (CG7). Also called: Peroxisome biogenesis disorder, complementation group B. Identifiers: MedGen C1864399.

Allele frequency attached by ClinVar (database versions not stated): gnomAD 0.00001; TOPMed 0.00002.

Submissions (2):

Labcorp Genetics (formerly Invitae), Labcorp
Classification: Likely benign for Peroxisome biogenesis disorder, complementation group 7. Last evaluated: 2025-12-22. Review status: criteria provided, single submitter. Criteria: Invitae Variant Classification Sherloc (09022015). Collection method: clinical testing. Allele origin: germline.

PreventionGenetics, part of Exact Sciences
Classification: Likely benign for PEX10-related condition. Last evaluated: 2022-07-20. Review status: no assertion criteria provided. Collection method: clinical testing. Allele origin: germline. Not counted in ClinVar's aggregate classification.
Comment: This variant is classified as likely benign based on ACMG/AMP sequence variant interpretation guidelines (Richards et al. 2015 PMID: 25741868, with internal and published modifications).